The following is an entry in ClinVar:

ClinVar aggregate classification (germline): Uncertain significance (1 of 4 stars; one submission).

Allele frequency attached by ClinVar (database versions not stated): ExAC 0.00001; TOPMed 0.00001; gnomAD 0.00002.
gnomAD v4.1: 10 of 1,613,788 alleles (0.00062%); highest among the groups gnomAD compares: Non-Finnish European, 0.00076%; no homozygotes.

Submission:

Labcorp Genetics (formerly Invitae), Labcorp
Classification: Uncertain significance. Last evaluated: 2022-06-19. Review status: criteria provided, single submitter. Criteria: Invitae Variant Classification Sherloc (09022015). Collection method: clinical testing. Allele origin: germline.
Comment: In summary, the available evidence is currently insufficient to determine the role of this variant in disease. Therefore, it has been classified as a Variant of Uncertain Significance. Experimental studies and prediction algorithms are not available or were not evaluated, and the functional significance of this variant is currently unknown. This variant has not been reported in the literature in individuals affected with LTBP4-related conditions. This variant is present in population databases (rs750463863, gnomAD 0.002%). This sequence change replaces proline, which is neutral and non-polar, with leucine, which is neutral and non-polar, at codon 47 of the LTBP4 protein (p.Pro47Leu).

NM_003573.2(LTBP4):c.140C>T (p.Pro47Leu)

Gene: LTBP4 (latent transforming growth factor beta binding protein 4; plus strand). Cytogenetic location: 19q13.2.
Variant type: single nucleotide variant.
Coding change: c.140C>T on transcript NM_003573.2; coding-DNA position 140, C replaced by T.
Protein change: p.Pro47Leu; replaces proline 47 with leucine.
Molecular consequence: missense variant.
Genome position (GRCh38, 1-based): chr19:40,599,466, C>T. VCF-style: chr19-40599466-C-T. GRCh37 (hg19) VCF-style: chr19-41105372-C-T.
Other names: c.251C>T, p.Pro84Leu (NM_001042544.1); short protein forms P84L, P47L.
Identifiers: ClinVar variation 1962480 (VCV001962480.5), dbSNP rs750463863, ClinGen allele CA9447944.
Genomic context (GRCh38, chr19:40,599,466, plus strand): 5'-TGGCTGTCTCCGAAGCCTTCTGCAGGGTCCGAAGCTGCCAGCCCAAAAAGTGTGCAGGCC[C>T]CCAGCGGTGCCTGAACCCAGTGCCTGCAGTGCCCAGTCCCAGCCCCAGCGTGAGGAAGAG-3'